The following is an entry in ClinVar:

NM_004519.4(KCNQ3):c.142G>A (p.Gly48Ser)

Gene: KCNQ3 (potassium voltage-gated channel subfamily Q member 3; minus strand). Cytogenetic location: 8q24.22.
Variant type: single nucleotide variant.
Coding change: c.142G>A on transcript NM_004519.4 (MANE Select); coding-DNA position 142, G replaced by A.
Protein change: p.Gly48Ser; replaces glycine 48 with serine.
Molecular consequence: missense variant.
Genome position (GRCh38, 1-based): chr8:132,480,391, C>T on the plus strand (G>A on the coding strand, the complement: KCNQ3 is on the minus strand). VCF-style: chr8-132480391-C-T. GRCh37 (hg19) VCF-style: chr8-133492638-C-T.
Other names: short protein forms G48S.
Identifiers: ClinVar variation 1415359 (VCV001415359.8), dbSNP rs1409166665, ClinGen allele CA372292815.

ClinVar aggregate classification (germline): Uncertain significance (1 of 4 stars; one submission).

Conditions:
Benign neonatal seizures. Also called: Benign neonatal familial convulsions; Benign familial neonatal seizures; Convulsions benign familial neonatal dominant form; Autosomal dominant form of benign neonatal seizures; Benign familial neonatal epilepsy. Identifiers: Orphanet 1949, MedGen C0220669, MONDO:0016027.

Allele frequency attached by ClinVar (database versions not stated): TOPMed below 0.00001; gnomAD 0.00001.

Submission:

Labcorp Genetics (formerly Invitae), Labcorp
Classification: Uncertain significance for Benign neonatal seizures. Last evaluated: 2024-05-16. Review status: criteria provided, single submitter. Criteria: Invitae Variant Classification Sherloc (09022015). Collection method: clinical testing. Allele origin: germline.
Comment: This sequence change replaces glycine, which is neutral and non-polar, with serine, which is neutral and polar, at codon 48 of the KCNQ3 protein (p.Gly48Ser). This variant is not present in population databases (gnomAD no frequency). This variant has not been reported in the literature in individuals affected with KCNQ3-related conditions. ClinVar contains an entry for this variant (Variation ID: 1415359). Advanced modeling of protein sequence and biophysical properties (such as structural, functional, and spatial information, amino acid conservation, physicochemical variation, residue mobility, and thermodynamic stability) performed at Invitae indicates that this missense variant is not expected to disrupt KCNQ3 protein function with a negative predictive value of 95%. In summary, the available evidence is currently insufficient to determine the role of this variant in disease. Therefore, it has been classified as a Variant of Uncertain Significance.